The following is an entry in ClinVar:

NM_001098.3(ACO2):c.1239dup (p.Phe414fs)

Gene: ACO2 (aconitase 2; plus strand). Cytogenetic location: 22q13.2.
Variant type: Duplication.
Coding change: c.1239dup on transcript NM_001098.3 (MANE Select); coding-DNA position 1239, one base duplicated (G; older notation c.1239dupG).
Protein change: p.Phe414fs; shifts the reading frame from phenylalanine 414.
Molecular consequence: frameshift variant.
Genome position (GRCh38, 1-based): chr22:41,522,930, G duplicated. VCF-style (leftmost placement, unchanged base first): chr22-41522929-A-AG. GRCh37 (hg19) VCF-style: chr22-41918933-A-AG.
Other names: short protein forms F414fs.
Identifiers: ClinVar variation 2075825 (VCV002075825.4), dbSNP rs2518229756, ClinGen allele CA2580099834.

ClinVar aggregate classification (germline): Pathogenic (1 of 4 stars; one submission).

Submission:

Labcorp Genetics (formerly Invitae), Labcorp
Classification: Pathogenic. Last evaluated: 2022-08-31. Review status: criteria provided, single submitter. Criteria: Invitae Variant Classification Sherloc (09022015). Collection method: clinical testing. Allele origin: germline.
Comment: This sequence change creates a premature translational stop signal (p.Phe414Valfs*15) in the ACO2 gene. It is expected to result in an absent or disrupted protein product. Loss-of-function variants in ACO2 are known to be pathogenic (PMID: 30689204, 32519519). This variant is not present in population databases (gnomAD no frequency). This variant has not been reported in the literature in individuals affected with ACO2-related conditions. Algorithms developed to predict the effect of sequence changes on RNA splicing suggest that this variant may create or strengthen a splice site. For these reasons, this variant has been classified as Pathogenic.

Literature cited by the submitters: PubMed 30689204; PubMed 32519519.